The following is an entry in ClinVar:

ClinVar aggregate classification (germline): Uncertain significance (1 of 4 stars; one submission).

Allele frequency attached by ClinVar (database versions not stated): ExAC 0.00001; gnomAD exomes 0.00001; gnomAD 0.00003; ESP Exome Variant Server 0.00008; 1000 Genomes Project 0.00020; 1000 Genomes Project 30x 0.00031.
gnomAD v4.1: 15 of 1,603,236 alleles (0.00094%); highest among the groups gnomAD compares: East Asian, 0.0045%; no homozygotes.

Submission:

Labcorp Genetics (formerly Invitae), Labcorp
Classification: Uncertain significance. Last evaluated: 2024-08-28. Review status: criteria provided, single submitter. Criteria: Invitae Variant Classification Sherloc (09022015). Collection method: clinical testing. Allele origin: germline.
Comment: This sequence change replaces serine, which is neutral and polar, with leucine, which is neutral and non-polar, at codon 1174 of the FLNB protein (p.Ser1174Leu). This variant is present in population databases (rs369887824, gnomAD 0.007%). This variant has not been reported in the literature in individuals affected with FLNB-related conditions. Invitae Evidence Modeling of protein sequence and biophysical properties (such as structural, functional, and spatial information, amino acid conservation, physicochemical variation, residue mobility, and thermodynamic stability) indicates that this missense variant is not expected to disrupt FLNB protein function with a negative predictive value of 95%. In summary, the available evidence is currently insufficient to determine the role of this variant in disease. Therefore, it has been classified as a Variant of Uncertain Significance.

NM_001457.4(FLNB):c.3521C>T (p.Ser1174Leu)

Gene: FLNB (filamin B; plus strand). Cytogenetic location: 3p14.3.
Variant type: single nucleotide variant.
Coding change: c.3521C>T on transcript NM_001457.4 (MANE Select); coding-DNA position 3521, C replaced by T.
Protein change: p.Ser1174Leu; replaces serine 1174 with leucine.
Molecular consequence: missense variant.
Genome position (GRCh38, 1-based): chr3:58,123,487, C>T. VCF-style: chr3-58123487-C-T. GRCh37 (hg19) VCF-style: chr3-58109214-C-T.
Other names: c.3521C>T, p.Ser1174Leu (NM_001164317.2, NM_001164318.2, NM_001164319.2); short protein forms S1174L.
Identifiers: ClinVar variation 2991997 (VCV002991997.3), dbSNP rs369887824, ClinGen allele CA2468435.